The following is an entry in ClinVar:

NM_000090.4(COL3A1):c.1347C>A (p.Arg449=)

Gene: COL3A1 (collagen type III alpha 1 chain; plus strand). Cytogenetic location: 2q32.2.
Variant type: single nucleotide variant.
Coding change: c.1347C>A on transcript NM_000090.4 (MANE Select); coding-DNA position 1347, C replaced by A.
Protein change: p.Arg449=; no amino-acid change (arginine 449 retained).
Molecular consequence: synonymous variant.
Genome position (GRCh38, 1-based): chr2:188,994,594, C>A. VCF-style: chr2-188994594-C-A. GRCh37 (hg19) VCF-style: chr2-189859320-C-A.
Identifiers: ClinVar variation 3026611 (VCV003026611.22), dbSNP rs755731385, ClinGen allele CA430309553.

ClinVar aggregate classification (germline): Likely benign (1 of 4 stars; one submission).

Allele frequency attached by ClinVar (database versions not stated): TOPMed below 0.00001.

Submission:

CeGaT Center for Human Genetics Tuebingen
Classification: Likely benign. Last evaluated: 2023-12-01. Review status: criteria provided, single submitter. Criteria: CeGaT Center For Human Genetics Tuebingen Variant Classification Criteria Version 2. Collection method: clinical testing. Allele origin: germline. Affected: yes. Observed: 1 variant allele.
Comment: COL3A1: PM2:Supporting, BP4, BP7